The following is an entry in ClinVar:

ClinVar aggregate classification (germline): Uncertain significance (1 of 4 stars; one submission).

Conditions:
Dilated cardiomyopathy 1G (CMD1G). Identifiers: Orphanet 154, MedGen C1858763, MONDO:0011400, OMIM 604145.
Autosomal recessive limb-girdle muscular dystrophy type 2J (LGMDR10). Also called: Limb-girdle muscular dystrophy, type 2J; MUSCULAR DYSTROPHY, LIMB-GIRDLE, AUTOSOMAL RECESSIVE 10. Identifiers: Orphanet 140922, MedGen C1837342, MONDO:0012127, OMIM 608807.

Allele frequency attached by ClinVar (database versions not stated): gnomAD exomes below 0.00001; gnomAD 0.00001.
gnomAD v4.1: 9 of 1,613,814 alleles (0.00056%); highest among the groups gnomAD compares: Middle Eastern, 0.016%; no homozygotes.

Submission:

Labcorp Genetics (formerly Invitae), Labcorp
Classification: Uncertain significance for Dilated cardiomyopathy 1G; Autosomal recessive limb-girdle muscular dystrophy type 2J. Last evaluated: 2025-03-30. Review status: criteria provided, single submitter. Criteria: Invitae Variant Classification Sherloc (09022015). Collection method: clinical testing. Allele origin: germline.
Comment: This sequence change replaces isoleucine, which is neutral and non-polar, with threonine, which is neutral and polar, at codon 33725 of the TTN protein (p.Ile33725Thr). This variant is present in population databases (no rsID available, gnomAD 0.002%). This variant has not been reported in the literature in individuals affected with TTN-related conditions. ClinVar contains an entry for this variant (Variation ID: 2200227). Experimental studies and prediction algorithms are not available or were not evaluated, and the functional significance of this variant is currently unknown. This variant is located in the M band of TTN (PMID: 25589632). Non-truncating variants in this region may be relevant for neuromuscular disorders, but have not been definitively shown to cause cardiomyopathy (PMID: 23975875). In summary, the available evidence is currently insufficient to determine the role of this variant in disease. Therefore, it has been classified as a Variant of Uncertain Significance.

Literature cited by the submitters: PubMed 25589632; PubMed 23975875.

NM_001267550.2(TTN):c.101174T>C (p.Ile33725Thr)

Genes: TTN-AS1 (TTN antisense RNA 1; plus strand), TTN (titin; minus strand). Cytogenetic location: 2q31.2.
Variant type: single nucleotide variant.
Coding change: c.101174T>C on transcript NM_001267550.2 (MANE Select); coding-DNA position 101174, T replaced by C.
Protein change: p.Ile33725Thr; replaces isoleucine 33725 with threonine.
Molecular consequence: missense variant.
Genome position (GRCh38, 1-based): chr2:178,535,441, A>G on the plus strand (T>C on the coding strand, the complement: TTN is on the minus strand). VCF-style: chr2-178535441-A-G. GRCh37 (hg19) VCF-style: chr2-179400168-A-G.
Other names: c.96251T>C, p.Ile32084Thr (NM_001256850.1); c.73979T>C, p.Ile24660Thr (NM_003319.4); c.93470T>C, p.Ile31157Thr (NM_133378.4); c.74354T>C, p.Ile24785Thr (NM_133432.3); c.74555T>C, p.Ile24852Thr (NM_133437.4); short protein forms I24785T, I24852T, I31157T, I32084T, I33725T, I24660T.
Identifiers: ClinVar variation 2200227 (VCV002200227.4), dbSNP rs1329737429, ClinGen allele CA349421434.